The following is an entry in ClinVar:

NM_001458.5(FLNC):c.4456+13C>T

Gene: FLNC (filamin C; plus strand). Cytogenetic location: 7q32.1.
Variant type: single nucleotide variant.
Coding change: c.4456+13C>T on transcript NM_001458.5 (MANE Select); 13 bases into the intron after coding-DNA position 4456, C replaced by T.
Molecular consequence: intron variant.
Genome position (GRCh38, 1-based): chr7:128,847,877, C>T. VCF-style: chr7-128847877-C-T. GRCh37 (hg19) VCF-style: chr7-128487931-C-T.
Other names: c.4456+13C>T (NM_001127487.2).
Identifiers: ClinVar variation 383309 (VCV000383309.14), dbSNP rs200456962, ClinGen allele CA4475334.

ClinVar aggregate classification (germline): Benign/Likely benign. Review status: criteria provided, multiple submitters, no conflicts (2 of 4 stars). 7 submissions from 7 submitters: Benign (2); Likely benign (3). 2 of the submissions do not count toward it. Last evaluated 2026-01-25.

Conditions:
Hypertrophic cardiomyopathy 26. Also called: Cardiomyopathy, familial hypertrophic, 26. Identifiers: Orphanet 75249, MedGen C4310749, MONDO:0014883, OMIM 617047.
Distal myopathy with posterior leg and anterior hand involvement. Also called: WILLIAMS DISTAL MYOPATHY. Identifiers: Orphanet 63273, MedGen C3279722, MONDO:0013550, OMIM 614065.
Myofibrillar myopathy 5. Also called: Filaminopathy (type); FILAMINOPATHY, AUTOSOMAL DOMINANT. Identifiers: Orphanet 171445, MedGen C1836050, MONDO:0012289, OMIM 609524.

Allele frequency attached by ClinVar (database versions not stated): ESP Exome Variant Server 0.00033; gnomAD exomes 0.00046 and 0.00096; TOPMed 0.00054; gnomAD 0.00062 and 0.00065; ExAC 0.00068.
gnomAD v4.1: 823 of 1,608,752 alleles (0.051%); highest among the groups gnomAD compares: Non-Finnish European, 0.012%; 6 homozygotes.

Submissions (7):

Labcorp Genetics (formerly Invitae), Labcorp
Classification: Benign for Distal myopathy with posterior leg and anterior hand involvement; Myofibrillar myopathy 5; Hypertrophic cardiomyopathy 26. Last evaluated: 2026-01-25. Review status: criteria provided, single submitter. Criteria: Invitae Variant Classification Sherloc (09022015). Collection method: clinical testing. Allele origin: germline.

ARUP Laboratories, Molecular Genetics and Genomics, ARUP Laboratories
Classification: Likely benign. Last evaluated: 2025-05-05. Review status: criteria provided, single submitter. Criteria: ARUP Molecular Germline Variant Investigation Process 2024. Collection method: clinical testing. Allele origin: germline.

Women's Health and Genetics/Laboratory Corporation of America, LabCorp
Classification: Benign. Last evaluated: 2025-03-31. Review status: criteria provided, single submitter. Criteria: LabCorp Variant Classification Summary - May 2015. Collection method: clinical testing. Allele origin: germline.

Blueprint Genetics
Classification: Likely benign. Last evaluated: 2024-11-04. Review status: criteria provided, single submitter. Criteria: ACMG Guidelines, 2015. Collection method: clinical testing. Allele origin: germline.

GeneDx
Classification: Likely benign. Last evaluated: 2017-06-27. Review status: criteria provided, single submitter. Criteria: GeneDx Variant Classification (06012015). Collection method: clinical testing. Allele origin: germline. Affected: yes.
Comment: This variant is considered likely benign or benign based on one or more of the following criteria: it is a conservative change, it occurs at a poorly conserved position in the protein, it is predicted to be benign by multiple in silico algorithms, and/or has population frequency not consistent with disease.

Clinical Genetics, Academic Medical Center
Classification: Benign. Review status: no assertion criteria provided. Collection method: clinical testing. Allele origin: germline. Affected: yes. Study: VKGL Data-share Consensus. Not counted in ClinVar's aggregate classification.

Laboratory of Diagnostic Genome Analysis, Leiden University Medical Center (LUMC)
Classification: Benign. Review status: no assertion criteria provided. Collection method: clinical testing. Allele origin: germline. Affected: yes. Study: VKGL Data-share Consensus. Not counted in ClinVar's aggregate classification.